The following is an entry in ClinVar:

NM_001035.3(RYR2):c.1391A>G (p.His464Arg)

Gene: RYR2 (ryanodine receptor 2; plus strand). Cytogenetic location: 1q43.
Variant type: single nucleotide variant.
Coding change: c.1391A>G on transcript NM_001035.3 (MANE Select); coding-DNA position 1391, A replaced by G.
Protein change: p.His464Arg; replaces histidine 464 with arginine.
Molecular consequence: missense variant.
Genome position (GRCh38, 1-based): chr1:237,454,489, A>G. VCF-style: chr1-237454489-A-G. GRCh37 (hg19) VCF-style: chr1-237617789-A-G.
Other names: c.1391A>G (NM_001035.2); short protein forms H464R.
Identifiers: ClinVar variation 3718928 (VCV003718928.3).

ClinVar aggregate classification (germline): Uncertain significance. Review status: criteria provided, multiple submitters, no conflicts (2 of 4 stars). 2 submissions from 2 submitters: Uncertain significance (2). Last evaluated 2025-09-05.

Conditions:
Catecholaminergic polymorphic ventricular tachycardia 1. Also called: VENTRICULAR TACHYCARDIA, STRESS-INDUCED POLYMORPHIC 1; VENTRICULAR TACHYCARDIA, CATECHOLAMINERGIC POLYMORPHIC, 1, WITH OR WITHOUT ATRIAL DYSFUNCTION AND/OR DILATED CARDIOMYOPATHY; RYR2-Related Catecholaminergic Polymorphic Ventricular Tachycardia. Identifiers: Orphanet 3286, MedGen C1631597, MONDO:0011484, OMIM 604772.
Cardiovascular phenotype. Identifiers: MedGen CN230736.

gnomAD v4.1: 1 of 1,613,236 alleles (0.000062%); highest among the groups gnomAD compares: Middle Eastern, 0.017%; no homozygotes.

Submissions (2):

Ambry Genetics
Classification: Uncertain significance for Cardiovascular phenotype. Last evaluated: 2025-09-05. Review status: criteria provided, single submitter. Criteria: Ambry Variant Classification Scheme 2023. Collection method: clinical testing. Allele origin: germline.
Comment: The p.H464R variant (also known as c.1391A>G), located in coding exon 15 of the RYR2 gene, results from an A to G substitution at nucleotide position 1391. The histidine at codon 464 is replaced by arginine, an amino acid with highly similar properties. This amino acid position is not well conserved in available vertebrate species. In addition, the in silico prediction for this alteration is inconclusive. Based on the available evidence, the clinical significance of this variant remains unclear.

Labcorp Genetics (formerly Invitae), Labcorp
Classification: Uncertain significance for Catecholaminergic polymorphic ventricular tachycardia 1. Last evaluated: 2024-04-04. Review status: criteria provided, single submitter. Criteria: Invitae Variant Classification Sherloc (09022015). Collection method: clinical testing. Allele origin: germline.
Comment: This sequence change replaces histidine, which is basic and polar, with arginine, which is basic and polar, at codon 464 of the RYR2 protein (p.His464Arg). This variant is not present in population databases (gnomAD no frequency). This variant has not been reported in the literature in individuals affected with RYR2-related conditions. Advanced modeling of protein sequence and biophysical properties (such as structural, functional, and spatial information, amino acid conservation, physicochemical variation, residue mobility, and thermodynamic stability) performed at Invitae indicates that this missense variant is not expected to disrupt RYR2 protein function with a negative predictive value of 95%. In summary, the available evidence is currently insufficient to determine the role of this variant in disease. Therefore, it has been classified as a Variant of Uncertain Significance.